The following is an entry in ClinVar:

ClinVar aggregate classification (germline): Uncertain significance. Review status: criteria provided, multiple submitters, no conflicts (2 of 4 stars). 3 submissions from 3 submitters: Uncertain significance (3). Last evaluated 2025-07-27.

Conditions:
Charcot-Marie-Tooth disease type 2. Also called: Charcot-Marie-Tooth type 2. Identifiers: Orphanet 64746, MedGen C0270914, MONDO:0018993.

Allele frequency attached by ClinVar (database versions not stated): gnomAD exomes below 0.00001 and 0.00001; TOPMed below 0.00001.
gnomAD v4.1: 3 of 1,613,856 alleles (0.00019%); highest among the groups gnomAD compares: Non-Finnish European, 0.00025%; no homozygotes.

Submissions (3):

Labcorp Genetics (formerly Invitae), Labcorp
Classification: Uncertain significance for Charcot-Marie-Tooth disease type 2. Last evaluated: 2025-07-27. Review status: criteria provided, single submitter. Criteria: Invitae Variant Classification Sherloc (09022015). Collection method: clinical testing. Allele origin: germline.
Comment: This sequence change replaces methionine, which is neutral and non-polar, with valine, which is neutral and non-polar, at codon 507 of the AARS protein (p.Met507Val). This variant is present in population databases (no rsID available, gnomAD 0.003%). This variant has not been reported in the literature in individuals affected with AARS-related conditions. ClinVar contains an entry for this variant (Variation ID: 425110). Invitae Evidence Modeling of protein sequence and biophysical properties (such as structural, functional, and spatial information, amino acid conservation, physicochemical variation, residue mobility, and thermodynamic stability) indicates that this missense variant is not expected to disrupt AARS protein function with a negative predictive value of 95%. In summary, the available evidence is currently insufficient to determine the role of this variant in disease. Therefore, it has been classified as a Variant of Uncertain Significance.

GeneDx
Classification: Uncertain significance. Last evaluated: 2023-03-29. Review status: criteria provided, single submitter. Criteria: GeneDx Variant Classification Process June 2021. Collection method: clinical testing. Allele origin: germline. Affected: yes.
Comment: Not observed at significant frequency in large population cohorts (gnomAD); In silico analysis supports that this missense variant does not alter protein structure/function; Has not been previously published as pathogenic or benign to our knowledge; This variant is associated with the following publications: (PMID: 25817015)

CeGaT Center for Human Genetics Tuebingen
Classification: Uncertain significance. Last evaluated: 2016-11-01. Review status: criteria provided, single submitter. Criteria: CeGaT Center For Human Genetics Tuebingen Variant Classification Criteria Version 2. Collection method: clinical testing. Allele origin: germline. Affected: yes. Observed: 1 variant allele.

NM_001605.3(AARS1):c.1519A>G (p.Met507Val)

Gene: AARS1 (alanyl-tRNA synthetase 1; minus strand). Cytogenetic location: 16q22.1.
Variant type: single nucleotide variant.
Coding change: c.1519A>G on transcript NM_001605.3 (MANE Select); coding-DNA position 1519, A replaced by G.
Protein change: p.Met507Val; replaces methionine 507 with valine.
Molecular consequence: missense variant.
Genome position (GRCh38, 1-based): chr16:70,262,498, T>C on the plus strand (A>G on the coding strand, the complement: AARS1 is on the minus strand). VCF-style: chr16-70262498-T-C. GRCh37 (hg19) VCF-style: chr16-70296401-T-C.
Other names: c.1519A>G (NM_001605.2); short protein forms M507V.
Identifiers: ClinVar variation 425110 (VCV000425110.48), dbSNP rs1064797212, ClinGen allele CA16621692.